The following is an entry in ClinVar:

NM_017775.4(TTC19):c.994+117A>G

Gene: TTC19 (tetratricopeptide repeat domain 19; plus strand). Cytogenetic location: 17p12.
Variant type: single nucleotide variant.
Coding change: c.994+117A>G on transcript NM_017775.4 (MANE Select); 117 bases into the intron after coding-DNA position 994, A replaced by G.
Molecular consequence: intron variant.
Genome position (GRCh38, 1-based): chr17:16,026,819, A>G. VCF-style: chr17-16026819-A-G. GRCh37 (hg19) VCF-style: chr17-15930133-A-G.
Other names: c.673+117A>G (NM_001271420.2).
Identifiers: ClinVar variation 675587 (VCV000675587.2), dbSNP rs56195102, ClinGen allele CA14461533.

ClinVar aggregate classification (germline): Benign. Review status: criteria provided, multiple submitters, no conflicts (2 of 4 stars). 2 submissions from 2 submitters: Benign (2). Last evaluated 2018-06-16.

Allele frequency attached by ClinVar (database versions not stated): gnomAD exomes 0.03582; gnomAD 0.07896 and 0.08133; TOPMed 0.08479; 1000 Genomes Project 0.09784; 1000 Genomes Project 30x 0.10009.
gnomAD v4.1: 45,653 of 1,079,572 alleles (4.2%); highest among the groups gnomAD compares: African/African-American, 19%; 1,919 homozygotes.

Submissions (2):

GeneDx
Classification: Benign. Last evaluated: 2018-06-16. Review status: criteria provided, single submitter. Criteria: GeneDx Variant Classification (06012015). Collection method: clinical testing. Allele origin: germline. Affected: yes.
Comment: This variant is considered likely benign or benign based on one or more of the following criteria: it is a conservative change, it occurs at a poorly conserved position in the protein, it is predicted to be benign by multiple in silico algorithms, and/or has population frequency not consistent with disease.

Breakthrough Genomics
Classification: Benign. Review status: criteria provided, single submitter. Criteria: ACMG Guidelines, 2015. Collection method: not provided. Allele origin: germline. Inheritance: Autosomal recessive inheritance. Affected: yes.